The following is an entry in ClinVar:

ClinVar aggregate classification (germline): Uncertain significance (1 of 4 stars; one submission).

Conditions:
Inborn genetic diseases. Identifiers: MedGen C0950123, MeSH D030342.

gnomAD v4.1: 4 of 1,613,496 alleles (0.00025%); highest among the groups gnomAD compares: Non-Finnish European, 0.00034%; no homozygotes.

Submission:

Ambry Genetics
Classification: Uncertain significance for Inborn genetic diseases. Last evaluated: 2026-03-03. Review status: criteria provided, single submitter. Criteria: Ambry Variant Classification Scheme 2023. Collection method: clinical testing. Allele origin: germline.
Comment: The p.N109S variant (also known as c.326A>G), located in coding exon 3 of the RUNX1 gene, results from an A to G substitution at nucleotide position 326. The asparagine at codon 109 is replaced by serine, an amino acid with highly similar properties. This amino acid position is highly conserved in available vertebrate species. In addition, this alteration is predicted to be deleterious by in silico analysis. Based on the available evidence, the clinical significance of this variant remains unclear.

NM_001754.5(RUNX1):c.326A>G (p.Asn109Ser)

Gene: RUNX1 (RUNX family transcription factor 1; minus strand). Cytogenetic location: 21q22.12.
Variant type: single nucleotide variant.
Coding change: c.326A>G on transcript NM_001754.5 (MANE Select); coding-DNA position 326, A replaced by G.
Protein change: p.Asn109Ser; replaces asparagine 109 with serine.
Molecular consequence: missense variant.
Genome position (GRCh38, 1-based): chr21:34,886,868, T>C on the plus strand (A>G on the coding strand, the complement: RUNX1 is on the minus strand). VCF-style: chr21-34886868-T-C. GRCh37 (hg19) VCF-style: chr21-36259165-T-C.
Other names: c.245A>G, p.Asn82Ser (NM_001001890.3, NM_001122607.2); short protein forms N109S, N82S.
Identifiers: ClinVar variation 4827460 (VCV004827460.1).